The following is an entry in ClinVar:

ClinVar aggregate classification (germline): Uncertain significance (1 of 4 stars; one submission).

Conditions:
Brugada syndrome. Also called: Sudden unexpected nocturnal death syndrome; Sudden Unexplained Death Syndrome; Sudden Unexplained Nocturnal Death Syndrome (SUNDS); Sudden unexplained nocturnal death syndrome. Identifiers: Orphanet 130, MedGen C1142166, MONDO:0015263.

Submission:

Labcorp Genetics (formerly Invitae), Labcorp
Classification: Uncertain significance for Brugada syndrome. Last evaluated: 2024-07-15. Review status: criteria provided, single submitter. Criteria: Invitae Variant Classification Sherloc (09022015). Collection method: clinical testing. Allele origin: germline.
Comment: This sequence change replaces threonine, which is neutral and polar, with isoleucine, which is neutral and non-polar, at codon 542 of the SLMAP protein (p.Thr542Ile). This variant is not present in population databases (gnomAD no frequency). This variant has not been reported in the literature in individuals affected with SLMAP-related conditions. An algorithm developed to predict the effect of missense changes on protein structure and function outputs the following: PolyPhen-2: "Benign". The isoleucine amino acid residue is found in multiple mammalian species, which suggests that this missense change does not adversely affect protein function. In summary, the available evidence is currently insufficient to determine the role of this variant in disease. Therefore, it has been classified as a Variant of Uncertain Significance.

NM_001377540.1(SLMAP):c.1727C>T (p.Thr576Ile)

Gene: SLMAP (sarcolemma associated protein; plus strand). Cytogenetic location: 3p14.3.
Variant type: single nucleotide variant.
Coding change: c.1727C>T on transcript NM_001377540.1 (MANE Select); coding-DNA position 1727, C replaced by T.
Protein change: p.Thr576Ile; replaces threonine 576 with isoleucine.
Molecular consequence: missense variant. On other transcripts: non-coding transcript variant (1).
Genome position (GRCh38, 1-based): chr3:57,912,408, C>T. VCF-style: chr3-57912408-C-T. GRCh37 (hg19) VCF-style: chr3-57898135-C-T.
Other names: c.1676C>T, p.Thr559Ile (NM_001304420.3, NM_001377542.1, NM_001377541.1); c.1664C>T, p.Thr555Ile (NM_001377545.1); c.1625C>T, p.Thr542Ile (NM_001377549.1, NM_007159.5); c.1613C>T, p.Thr538Ile (NM_001377551.1, NM_001377552.1); c.1604C>T, p.Thr535Ile (NM_001377555.1); c.1562C>T, p.Thr521Ile (NM_001377557.1, NM_001377559.1, NM_001304421.2); c.1553C>T, p.Thr518Ile (NM_001377562.1, NM_001377921.1); c.278C>T, p.Thr93Ile (NM_001304422.3, NM_001311178.2); and 8 more; short protein forms T27I, T480I, T497I, T501I, T514I, T518I, T521I, T52I.
Identifiers: ClinVar variation 3605452 (VCV003605452.2).